The following is an entry in ClinVar:

ClinVar aggregate classification (germline): Uncertain significance. Review status: criteria provided, multiple submitters, no conflicts (2 of 4 stars). 2 submissions from 2 submitters: Uncertain significance (2). Last evaluated 2024-12-06.

Conditions:
Neurodegeneration with brain iron accumulation 6 (NBIA6). Also called: COASY protein-associated neurodegeneration. Identifiers: Orphanet 397725, MedGen C4517377, MONDO:0014290, OMIM 615643.

Allele frequency attached by ClinVar (database versions not stated): ExAC 0.00001; gnomAD 0.00001; TOPMed 0.00001; ESP Exome Variant Server 0.00008.

Submissions (2):

Ambry Genetics
Classification: Uncertain significance. Last evaluated: 2024-12-06. Review status: criteria provided, single submitter. Criteria: Ambry Variant Classification Scheme 2023. Collection method: clinical testing. Allele origin: germline.

Labcorp Genetics (formerly Invitae), Labcorp
Classification: Uncertain significance for Neurodegeneration with brain iron accumulation 6. Last evaluated: 2021-12-24. Review status: criteria provided, single submitter. Criteria: Invitae Variant Classification Sherloc (09022015). Collection method: clinical testing. Allele origin: germline.
Comment: Algorithms developed to predict the effect of missense changes on protein structure and function output the following: SIFT: "Tolerated"; PolyPhen-2: "Benign"; Align-GVGD: "Class C0". The aspartic acid amino acid residue is found in multiple mammalian species, which suggests that this missense change does not adversely affect protein function. This sequence change replaces glutamic acid, which is acidic and polar, with aspartic acid, which is acidic and polar, at codon 353 of the COASY protein (p.Glu353Asp). This variant is not present in population databases (gnomAD no frequency). This variant has not been reported in the literature in individuals affected with COASY-related conditions. In summary, the available evidence is currently insufficient to determine the role of this variant in disease. Therefore, it has been classified as a Variant of Uncertain Significance.

NM_025233.7(COASY):c.1059G>C (p.Glu353Asp)

Gene: COASY (Coenzyme A synthase; plus strand). Cytogenetic location: 17q21.2.
Variant type: single nucleotide variant.
Coding change: c.1059G>C on transcript NM_025233.7 (MANE Select); coding-DNA position 1059, G replaced by C.
Protein change: p.Glu353Asp; replaces glutamic acid 353 with aspartic acid.
Molecular consequence: missense variant.
Genome position (GRCh38, 1-based): chr17:42,564,720, G>C. VCF-style: chr17-42564720-G-C. GRCh37 (hg19) VCF-style: chr17-40716738-G-C.
Other names: c.1059G>C, p.Glu353Asp (NM_001042529.3); c.1146G>C, p.Glu382Asp (NM_001042532.4); c.1146G>C (NM_001042532.2); short protein forms E382D, E353D.
Identifiers: ClinVar variation 2157770 (VCV002157770.4), dbSNP rs151238347, ClinGen allele CA8578194.